The following is an entry in ClinVar:

ClinVar aggregate classification (germline): Uncertain significance (1 of 4 stars; one submission).

Conditions:
ABCB4-related disorder. Also called: ABCB4-related disorders; ABCB4-related condition.

gnomAD v4.1: 1 of 1,613,516 alleles (0.000062%); highest among the groups gnomAD compares: Non-Finnish European, 0.000085%; no homozygotes.

Submission:

PreventionGenetics, part of Exact Sciences
Classification: Uncertain significance for ABCB4-related condition. Last evaluated: 2025-10-29. Review status: criteria provided, single submitter. Criteria: ACMG Guidelines, 2015. Collection method: clinical testing. Allele origin: germline.
Comment: The ABCB4 c.2917G>C variant is predicted to result in the amino acid substitution p.Val973Leu. To our knowledge, this variant has not been reported in the literature or in a large population database (gnomAD), indicating this variant is rare. At this time, the clinical significance of this variant is uncertain due to the absence of conclusive functional and genetic evidence.

NM_000443.4(ABCB4):c.2917G>C (p.Val973Leu)

Gene: ABCB4 (ATP binding cassette subfamily B member 4; minus strand). Cytogenetic location: 7q21.12.
Variant type: single nucleotide variant.
Coding change: c.2917G>C on transcript NM_000443.4 (MANE Select); coding-DNA position 2917, G replaced by C.
Protein change: p.Val973Leu; replaces valine 973 with leucine.
Molecular consequence: missense variant. On other transcripts: intron variant (1).
Genome position (GRCh38, 1-based): chr7:87,411,900, C>G on the plus strand (G>C on the coding strand, the complement: ABCB4 is on the minus strand). VCF-style: chr7-87411900-C-G. GRCh37 (hg19) VCF-style: chr7-87041216-C-G.
Other names: c.2917G>C, p.Val973Leu (NM_018849.3); c.2783+1717G>C (NM_018850.3); short protein forms V973L.
Identifiers: ClinVar variation 4991403 (VCV004991403.1).
Genomic context (GRCh38, chr7:87,411,900, plus strand): 5'-AACCTACTAAAACCTTATTATAGAATAATCTTAATATTTCTAAAGCTACTTACAGAATAA[C>G]ATCTCTGAAGCGCATATGTCCATTCACAATGAGATATGCACCAAATCGAAAACAACCGGC-3'
Protein context (NP_000434.1, residues 963-983): IVNGHMRFRD[Val973Leu]ILVFSAIVFG